The following is an entry in ClinVar:

NM_000059.4(BRCA2):c.5642A>C (p.Lys1881Thr)

Gene: BRCA2 (BRCA2 DNA repair associated; plus strand). Cytogenetic location: 13q13.1.
Variant type: single nucleotide variant.
Coding change: c.5642A>C on transcript NM_000059.4 (MANE Select); coding-DNA position 5642, A replaced by C.
Protein change: p.Lys1881Thr; replaces lysine 1881 with threonine.
Molecular consequence: missense variant. On other transcripts: non-coding transcript variant (1), intron variant (2).
Genome position (GRCh38, 1-based): chr13:32,339,997, A>C. VCF-style: chr13-32339997-A-C. GRCh37 (hg19) VCF-style: chr13-32914134-A-C.
Other names: c.5642A>C, p.Lys1881Thr (NM_001406719.1, NM_001406720.1, NM_001432077.1); c.1910-4561A>C (NM_001406721.1); c.425-4561A>C (NM_001406722.1); short protein forms K1881T.
Identifiers: ClinVar variation 3636496 (VCV003636496.2).

ClinVar aggregate classification (germline): Uncertain significance (1 of 4 stars; one submission).

Conditions:
Hereditary breast ovarian cancer syndrome. Also called: Hereditary breast and ovarian cancer syndrome; Hereditary breast and ovarian cancer syndrome (HBOC); BRCA1- and BRCA2-Associated Hereditary Breast and Ovarian Cancer; Hereditary breast and ovarian cancer; Breast and ovarian cancer; Hereditary breast and/or ovarian cancer syndrome. Identifiers: Orphanet 145, MedGen C0677776, MeSH D061325, MONDO:0003582. Disease mechanism: loss of function.

Submission:

Labcorp Genetics (formerly Invitae), Labcorp
Classification: Uncertain significance for Hereditary breast ovarian cancer syndrome. Last evaluated: 2024-08-14. Review status: criteria provided, single submitter. Criteria: Invitae Variant Classification Sherloc (09022015). Collection method: clinical testing. Allele origin: germline.
Comment: This sequence change replaces lysine, which is basic and polar, with threonine, which is neutral and polar, at codon 1881 of the BRCA2 protein (p.Lys1881Thr). This variant is not present in population databases (gnomAD no frequency). This variant has not been reported in the literature in individuals affected with BRCA2-related conditions. Invitae Evidence Modeling of protein sequence and biophysical properties (such as structural, functional, and spatial information, amino acid conservation, physicochemical variation, residue mobility, and thermodynamic stability) indicates that this missense variant is not expected to disrupt BRCA2 protein function with a negative predictive value of 95%. In summary, the available evidence is currently insufficient to determine the role of this variant in disease. Therefore, it has been classified as a Variant of Uncertain Significance.